The following is an entry in ClinVar:

ClinVar aggregate classification (germline): Uncertain significance (1 of 4 stars; one submission).

Conditions:
Charcot-Marie-Tooth disease dominant intermediate B (CMTDIB). Also called: CHARCOT-MARIE-TOOTH NEUROPATHY, DOMINANT INTERMEDIATE B; Charcot-Marie-Tooth disease dominant intermediate 1; CMT DI1; Charcot-Marie-Tooth disease dominant intermediate I. Identifiers: Orphanet 100044, Orphanet 228179, MedGen C1847902, MONDO:0011674, OMIM 606482.

Submission:

Labcorp Genetics (formerly Invitae), Labcorp
Classification: Uncertain significance for Charcot-Marie-Tooth disease dominant intermediate B. Last evaluated: 2022-04-10. Review status: criteria provided, single submitter. Criteria: Invitae Variant Classification Sherloc (09022015). Collection method: clinical testing. Allele origin: germline.
Comment: This variant has not been reported in the literature in individuals affected with DNM2-related conditions. Algorithms developed to predict the effect of missense changes on protein structure and function (SIFT, PolyPhen-2, Align-GVGD) all suggest that this variant is likely to be disruptive. In summary, the available evidence is currently insufficient to determine the role of this variant in disease. Therefore, it has been classified as a Variant of Uncertain Significance. This variant is not present in population databases (gnomAD no frequency). This sequence change replaces proline, which is neutral and non-polar, with arginine, which is basic and polar, at codon 263 of the DNM2 protein (p.Pro263Arg).

NM_001005361.3(DNM2):c.788C>G (p.Pro263Arg)

Gene: DNM2 (dynamin 2; plus strand). Cytogenetic location: 19p13.2.
Variant type: single nucleotide variant.
Coding change: c.788C>G on transcript NM_001005361.3 (MANE Select); coding-DNA position 788, C replaced by G.
Protein change: p.Pro263Arg; replaces proline 263 with arginine.
Molecular consequence: missense variant.
Genome position (GRCh38, 1-based): chr19:10,783,059, C>G. VCF-style: chr19-10783059-C-G. GRCh37 (hg19) VCF-style: chr19-10893735-C-G.
Other names: c.788C>G, p.Pro263Arg (NM_001005360.3, NM_001005362.3, NM_001190716.2 and 1 more transcripts); short protein forms P263R.
Identifiers: ClinVar variation 2124225 (VCV002124225.4), dbSNP rs3745674, ClinGen allele CA404045304.
Genomic context (GRCh38, chr19:10,783,059, plus strand): 5'-AGGGCAAGAAGGACATCCGTGCAGCACTGGCAGCTGAGAGGAAGTTCTTCCTCTCCCACC[C>G]GGCCTACCGGCACATGGCCGACCGCATGGGCACGCCACATCTGCAGAAGACGCTGAATCA-3'
Protein context (NP_001005361.1, residues 253-273): AAERKFFLSH[Pro263Arg]AYRHMADRMG